The following is an entry in ClinVar:

NC_000006.12:g.(?_99549508)_(99614759_?)dup

Genes: CCNC (cyclin C; minus strand), PRDM13 (PR/SET domain 13; plus strand). Cytogenetic location: 6q16.2.
Variant type: Duplication.
Identifiers: ClinVar variation 832033 (VCV000832033.1).

ClinVar aggregate classification (germline): Uncertain significance (1 of 4 stars; one submission).

Submission:

Labcorp Genetics (formerly Invitae), Labcorp
Classification: Uncertain significance. Last evaluated: 2019-08-16. Review status: criteria provided, single submitter. Criteria: Invitae Variant Classification Sherloc (09022015). Collection method: clinical testing. Allele origin: germline.
Comment: This variant results in a copy number gain of the genomic region encompassing the full coding sequence of the PRDM13 gene. The boundaries of this event are unknown as they extend beyond the assayed region for this gene and therefore may encompass additional genes. As the precise location of this event is unknown, it may be in tandem or it may be located elsewhere in the genome. A tandem duplication of PRDM13 has been observed to segregate with autosomal dominant North Carolina macular dystrophy in a large family (PMID: 26507665); however, the current clinical and genetic evidence is not sufficient to establish whether variants in PRDM13 cause macular dystrophy. In summary, the available evidence is currently insufficient to determine the role of this variant in disease. Therefore, it has been classified as a Variant of Uncertain Significance.

Literature cited by the submitters: PubMed 26507665.